The following is an entry in ClinVar:

NM_001458.5(FLNC):c.4620C>A (p.Ser1540Arg)

Gene: FLNC (filamin C; plus strand). Cytogenetic location: 7q32.1.
Variant type: single nucleotide variant.
Coding change: c.4620C>A on transcript NM_001458.5 (MANE Select); coding-DNA position 4620, C replaced by A.
Protein change: p.Ser1540Arg; replaces serine 1540 with arginine.
Molecular consequence: missense variant.
Genome position (GRCh38, 1-based): chr7:128,848,600, C>A. VCF-style: chr7-128848600-C-A. GRCh37 (hg19) VCF-style: chr7-128488654-C-A.
Other names: c.4620C>A, p.Ser1540Arg (NM_001127487.2); short protein forms S1540R.
Identifiers: ClinVar variation 4085191 (VCV004085191.8).

ClinVar aggregate classification (germline): Uncertain significance (1 of 4 stars; one submission).

Submission:

CeGaT Center for Human Genetics Tuebingen
Classification: Uncertain significance. Last evaluated: 2025-06-01. Review status: criteria provided, single submitter. Criteria: CeGaT Center For Human Genetics Tuebingen Variant Classification Criteria Version 2. Collection method: clinical testing. Allele origin: germline. Affected: yes. Observed: 1 variant allele.
Comment: FLNC: PM2